The following is an entry in ClinVar:

ClinVar aggregate classification (germline): Uncertain significance. Review status: criteria provided, multiple submitters, no conflicts (2 of 4 stars). 2 submissions from 2 submitters: Uncertain significance (2). Last evaluated 2025-08-05.

Conditions:
Inborn genetic diseases. Identifiers: MedGen C0950123, MeSH D030342.
Charcot-Marie-Tooth disease type 4. Also called: Charcot-Marie-Tooth disease, type IV; Charcot-Marie-Tooth, Type 4. Identifiers: Orphanet 64749, MedGen C4082197, MONDO:0018995.

Allele frequency attached by ClinVar (database versions not stated): gnomAD 0.00001; gnomAD exomes 0.00001 and 0.00002; ExAC 0.00003; 1000 Genomes Project 30x 0.00016; 1000 Genomes Project 0.00020.
gnomAD v4.1: 22 of 1,614,054 alleles (0.0014%); highest among the groups gnomAD compares: South Asian, 0.021%; no homozygotes.

Submissions (2):

Ambry Genetics
Classification: Uncertain significance for Inborn genetic diseases. Last evaluated: 2025-08-05. Review status: criteria provided, single submitter. Criteria: Ambry Variant Classification Scheme 2023. Collection method: clinical testing. Allele origin: germline.

Labcorp Genetics (formerly Invitae), Labcorp
Classification: Uncertain significance for Charcot-Marie-Tooth disease type 4. Last evaluated: 2019-07-26. Review status: criteria provided, single submitter. Criteria: Invitae Variant Classification Sherloc (09022015). Collection method: clinical testing. Allele origin: germline.
Comment: In summary, the available evidence is currently insufficient to determine the role of this variant in disease. Therefore, it has been classified as a Variant of Uncertain Significance. Algorithms developed to predict the effect of missense changes on protein structure and function (SIFT, PolyPhen-2, Align-GVGD) all suggest that this variant is likely to be tolerated, but these predictions have not been confirmed by published functional studies and their clinical significance is uncertain. This variant has not been reported in the literature in individuals with FIG4-related conditions. The frequency data for this variant in the population databases is considered unreliable, as metrics indicate poor data quality at this position in the ExAC database. This sequence change replaces glycine with valine at codon 885 of the FIG4 protein (p.Gly885Val). The glycine residue is moderately conserved and there is a moderate physicochemical difference between glycine and valine.

NM_014845.6(FIG4):c.2654G>T (p.Gly885Val)

Gene: FIG4 (FIG4 phosphoinositide 5-phosphatase; plus strand). Cytogenetic location: 6q21.
Variant type: single nucleotide variant.
Coding change: c.2654G>T on transcript NM_014845.6 (MANE Select); coding-DNA position 2654, G replaced by T.
Protein change: p.Gly885Val; replaces glycine 885 with valine.
Molecular consequence: missense variant.
Genome position (GRCh38, 1-based): chr6:109,825,195, G>T. VCF-style: chr6-109825195-G-T. GRCh37 (hg19) VCF-style: chr6-110146398-G-T.
Other names: short protein forms G885V.
Identifiers: ClinVar variation 959618 (VCV000959618.11), dbSNP rs550030053, ClinGen allele CA3956469.